The following is an entry in ClinVar:

ClinVar aggregate classification (germline): Conflicting classifications of pathogenicity. Review status: criteria provided, conflicting classifications (1 of 4 stars). 3 submissions from 3 submitters: Uncertain significance (2); Likely benign (1). Last evaluated 2026-03-10.

Conditions:
PKHD1-related disorder. Also called: PKHD1-related condition.
Autosomal recessive polycystic kidney disease (ARPKD). Also called: AR polycystic kidney disease. Identifiers: Orphanet 731, Orphanet 8378, MedGen C0085548, MeSH D017044, MONDO:0009889.

Allele frequency attached by ClinVar (database versions not stated): gnomAD exomes 0.00002; TOPMed 0.00002; gnomAD 0.00003; ExAC 0.00009.
gnomAD v4.1: 27 of 1,613,948 alleles (0.0017%); highest among the groups gnomAD compares: East Asian, 0.056%; no homozygotes.

Submissions (3):

PreventionGenetics, part of Exact Sciences
Classification: Uncertain significance for PKHD1-related condition. Last evaluated: 2026-03-10. Review status: criteria provided, single submitter. Criteria: ACMG Guidelines, 2015. Collection method: clinical testing. Allele origin: germline.
Comment: The PKHD1 c.11818A>T variant is predicted to result in the amino acid substitution p.Asn3940Tyr. To our knowledge, this variant has not been reported in the literature. This variant is reported in 0.10% of alleles in individuals of East Asian descent in gnomAD. At this time, the clinical significance of this variant is uncertain due to the absence of conclusive functional and genetic evidence.

Labcorp Genetics (formerly Invitae), Labcorp
Classification: Likely benign for Autosomal recessive polycystic kidney disease. Last evaluated: 2026-02-04. Review status: criteria provided, single submitter. Criteria: Invitae Variant Classification Sherloc (09022015). Collection method: clinical testing. Allele origin: germline.

Eurofins Ntd Llc (ga)
Classification: Uncertain significance. Last evaluated: 2016-09-02. Review status: criteria provided, single submitter. Criteria: EGL Classification Definitions 2015. Collection method: clinical testing. Allele origin: germline. Observed: 1 variant allele, 1 heterozygote.

NM_138694.4(PKHD1):c.11818A>T (p.Asn3940Tyr)

Gene: PKHD1 (PKHD1 ciliary IPT domain containing fibrocystin/polyductin; minus strand). Cytogenetic location: 6p12.3.
Variant type: single nucleotide variant.
Coding change: c.11818A>T on transcript NM_138694.4 (MANE Select); coding-DNA position 11818, A replaced by T.
Protein change: p.Asn3940Tyr; replaces asparagine 3940 with tyrosine.
Molecular consequence: missense variant.
Genome position (GRCh38, 1-based): chr6:51,619,488, T>A on the plus strand (A>T on the coding strand, the complement: PKHD1 is on the minus strand). VCF-style: chr6-51619488-T-A. GRCh37 (hg19) VCF-style: chr6-51484286-T-A.
Other names: c.11818A>T (NM_138694.3); short protein forms N3940Y.
Identifiers: ClinVar variation 290109 (VCV000290109.13), dbSNP rs757479262, ClinGen allele CA3850684.